The following is an entry in ClinVar:

ClinVar aggregate classification (germline): Uncertain significance (1 of 4 stars; one submission).

Conditions:
MHC class I deficiency. Identifiers: Orphanet 34592, MedGen C6024714, MONDO:0011476.

Allele frequency attached by ClinVar (database versions not stated): ExAC 0.00001.

Submission:

Labcorp Genetics (formerly Invitae), Labcorp
Classification: Uncertain significance for MHC class I deficiency 1. Last evaluated: 2023-08-17. Review status: criteria provided, single submitter. Criteria: Invitae Variant Classification Sherloc (09022015). Collection method: clinical testing. Allele origin: germline.
Comment: In summary, the available evidence is currently insufficient to determine the role of this variant in disease. Therefore, it has been classified as a Variant of Uncertain Significance. Algorithms developed to predict the effect of missense changes on protein structure and function output the following: SIFT: "Not Available"; PolyPhen-2: "Benign"; Align-GVGD: "Not Available". The threonine amino acid residue is found in multiple mammalian species, which suggests that this missense change does not adversely affect protein function. This variant has not been reported in the literature in individuals affected with TAPBP-related conditions. This variant is present in population databases (rs766625576, gnomAD 0.001%). This sequence change replaces alanine, which is neutral and non-polar, with threonine, which is neutral and polar, at codon 167 of the TAPBP protein (p.Ala167Thr).

NM_003190.5(TAPBP):c.499G>A (p.Ala167Thr)

Gene: TAPBP (TAP binding protein; minus strand). Cytogenetic location: 6p21.32.
Variant type: single nucleotide variant.
Coding change: c.499G>A on transcript NM_003190.5 (MANE Select); coding-DNA position 499, G replaced by A.
Protein change: p.Ala167Thr; replaces alanine 167 with threonine.
Molecular consequence: missense variant.
Genome position (GRCh38, 1-based): chr6:33,305,358, C>T on the plus strand (G>A on the coding strand, the complement: TAPBP is on the minus strand). VCF-style: chr6-33305358-C-T. GRCh37 (hg19) VCF-style: chr6-33273135-C-T.
Other names: c.499G>A, p.Ala167Thr (NM_001410875.1, NM_172208.3); c.238G>A, p.Ala80Thr (NM_172209.3); short protein forms A80T, A167T.
Identifiers: ClinVar variation 3022205 (VCV003022205.3), dbSNP rs766625576, ClinGen allele CA3755872.